The following is an entry in ClinVar:

NM_206933.4(USH2A):c.4314G>T (p.Arg1438Ser)

Gene: USH2A (usherin; minus strand). Cytogenetic location: 1q41.
Variant type: single nucleotide variant.
Coding change: c.4314G>T on transcript NM_206933.4 (MANE Select); coding-DNA position 4314, G replaced by T.
Protein change: p.Arg1438Ser; replaces arginine 1438 with serine.
Molecular consequence: missense variant.
Genome position (GRCh38, 1-based): chr1:216,190,305, C>A on the plus strand (G>T on the coding strand, the complement: USH2A is on the minus strand). VCF-style: chr1-216190305-C-A. GRCh37 (hg19) VCF-style: chr1-216363647-C-A.
Other names: c.4314G>T, p.Arg1438Ser (NM_007123.6); short protein forms R1438S.
Identifiers: ClinVar variation 1696055 (VCV001696055.6), dbSNP rs776039417, ClinGen allele CA1395750.

ClinVar aggregate classification (germline): Uncertain significance. Review status: criteria provided, multiple submitters, no conflicts (2 of 4 stars). 4 submissions from 3 submitters: Uncertain significance (4). Last evaluated 2025-04-28.

Conditions:
Retinitis pigmentosa 39 (RP39). Identifiers: Orphanet 791, MedGen C3151138, MONDO:0013436, OMIM 613809.
Usher syndrome type 2A. Also called: USHER SYNDROME, TYPE IIA; RETINAL DISEASE IN USHER SYNDROME TYPE IIA, MODIFIER OF. Identifiers: Orphanet 231178, Orphanet 886, MedGen C1848634, MONDO:0010169, OMIM 276901.

Allele frequency attached by ClinVar (database versions not stated): gnomAD 0.00001; gnomAD exomes 0.00001; ExAC 0.00002.
gnomAD v4.1: 19 of 1,612,182 alleles (0.0012%); highest among the groups gnomAD compares: Non-Finnish European, 0.0016%; no homozygotes.

Submissions (4):

Labcorp Genetics (formerly Invitae), Labcorp
Classification: Uncertain significance. Last evaluated: 2025-04-28. Review status: criteria provided, single submitter. Criteria: Invitae Variant Classification Sherloc (09022015). Collection method: clinical testing. Allele origin: germline.
Comment: This sequence change replaces arginine, which is basic and polar, with serine, which is neutral and polar, at codon 1438 of the USH2A protein (p.Arg1438Ser). This variant is present in population databases (rs776039417, gnomAD 0.002%). This variant has not been reported in the literature in individuals affected with USH2A-related conditions. ClinVar contains an entry for this variant (Variation ID: 1696055). Invitae Evidence Modeling of protein sequence and biophysical properties (such as structural, functional, and spatial information, amino acid conservation, physicochemical variation, residue mobility, and thermodynamic stability) indicates that this missense variant is not expected to disrupt USH2A protein function with a negative predictive value of 95%. In summary, the available evidence is currently insufficient to determine the role of this variant in disease. Therefore, it has been classified as a Variant of Uncertain Significance.

Genome-Nilou Lab
Classification: Uncertain significance for Retinitis pigmentosa 39. Last evaluated: 2023-11-04. Review status: criteria provided, single submitter. Criteria: ACMG Guidelines, 2015. Collection method: clinical testing. Allele origin: germline. Affected: no.

Genome-Nilou Lab
Classification: Uncertain significance for Usher syndrome type 2A. Last evaluated: 2023-11-04. Review status: criteria provided, single submitter. Criteria: ACMG Guidelines, 2015. Collection method: clinical testing. Allele origin: germline. Affected: no.

Women's Health and Genetics/Laboratory Corporation of America, LabCorp
Classification: Uncertain significance. Last evaluated: 2022-05-03. Review status: criteria provided, single submitter. Criteria: LabCorp Variant Classification Summary - May 2015. Collection method: clinical testing. Allele origin: germline.